The following is an entry in ClinVar:

ClinVar aggregate classification (germline): Uncertain significance (1 of 4 stars; one submission).

Allele frequency attached by ClinVar (database versions not stated): gnomAD exomes below 0.00001.
gnomAD v4.1: 4 of 1,571,160 alleles (0.00025%); highest among the groups gnomAD compares: Admixed American, 0.0037%; no homozygotes.

Submission:

GeneDx
Classification: Uncertain significance. Last evaluated: 2022-05-16. Review status: criteria provided, single submitter. Criteria: GeneDx Variant Classification Process June 2021. Collection method: clinical testing. Allele origin: germline. Affected: yes.
Comment: Has not been previously published as pathogenic or benign to our knowledge; Not observed at significant frequency in large population cohorts (gnomAD); Located in the 5' untranslated region (UTR); in the absence of functional studies, the actual effect of this sequence change is unknown; No regulatory variants in the COL9A2 gene have been reported in HGMD in association with COL9A2-related disorders (HGMD)

NM_001852.4(COL9A2):c.-2C>T

Gene: COL9A2 (collagen type IX alpha 2 chain; minus strand). Cytogenetic location: 1p34.2.
Variant type: single nucleotide variant.
Coding change: c.-2C>T on transcript NM_001852.4 (MANE Select); 2 bases upstream of the start codon, C replaced by T.
Molecular consequence: 5 prime UTR variant.
Genome position (GRCh38, 1-based): chr1:40,317,199, G>A on the plus strand (C>T on the coding strand, the complement: COL9A2 is on the minus strand). VCF-style: chr1-40317199-G-A. GRCh37 (hg19) VCF-style: chr1-40782871-G-A.
Identifiers: ClinVar variation 1800753 (VCV001800753.1), dbSNP rs1198675896, ClinGen allele CA522417670.